The following is an entry in ClinVar:

ClinVar aggregate classification (germline): Pathogenic (1 of 4 stars; one submission).

Conditions:
Centromeric instability of chromosomes 1,9 and 16 and immunodeficiency (ICF1). Also called: Immunodeficiency-centromeric instability-facial anomalies; CENTROMERIC INSTABILITY, IMMUNODEFICIENCY SYNDROME; IMMUNE DEFICIENCY, VARIABLE, WITH CENTROMERIC INSTABILITY OF CHROMOSOMES 1, 9, AND 16; IMMUNODEFICIENCY SYNDROME, VARIABLE. Identifiers: Orphanet 2268, MedGen C0398788, MONDO:0000133.

gnomAD v4.1: 5 of 1,614,184 alleles (0.00031%); highest among the groups gnomAD compares: Non-Finnish European, 0.00034%; no homozygotes.

Submission:

Labcorp Genetics (formerly Invitae), Labcorp
Classification: Pathogenic for Centromeric instability of chromosomes 1,9 and 16 and immunodeficiency. Last evaluated: 2023-07-19. Review status: criteria provided, single submitter. Criteria: Invitae Variant Classification Sherloc (09022015). Collection method: clinical testing. Allele origin: germline.
Comment: For these reasons, this variant has been classified as Pathogenic. This variant has not been reported in the literature in individuals affected with DNMT3B-related conditions. This variant is not present in population databases (gnomAD no frequency). This sequence change creates a premature translational stop signal (p.Arg485*) in the DNMT3B gene. It is expected to result in an absent or disrupted protein product. Loss-of-function variants in DNMT3B are known to be pathogenic (PMID: 11102980).

Literature cited by the submitters: PubMed 11102980.

NM_006892.4(DNMT3B):c.1453C>T (p.Arg485Ter)

Gene: DNMT3B (DNA methyltransferase 3 beta; plus strand). Cytogenetic location: 20q11.21.
Variant type: single nucleotide variant.
Coding change: c.1453C>T on transcript NM_006892.4 (MANE Select); coding-DNA position 1453, C replaced by T.
Protein change: p.Arg485Ter; replaces arginine 485 with a stop codon.
Molecular consequence: nonsense.
Genome position (GRCh38, 1-based): chr20:32,797,262, C>T. VCF-style: chr20-32797262-C-T. GRCh37 (hg19) VCF-style: chr20-31385068-C-T.
Other names: c.1267C>T, p.Arg423Ter (NM_001207055.2, NM_001424354.1, NM_001424357.1); c.1165C>T, p.Arg389Ter (NM_001207056.2); c.1453C>T, p.Arg485Ter (NM_001424351.1, NM_001424355.1); c.1327C>T, p.Arg443Ter (NM_001424352.1, NM_001424356.1, NM_001424358.1); c.1393C>T, p.Arg465Ter (NM_001424353.1, NM_175848.2, NM_175849.2); c.1429C>T, p.Arg477Ter (NM_001424359.1, NM_175850.3); c.1303C>T, p.Arg435Ter (NM_001424360.1); short protein forms R423*, R485*, R389*, R435*, R465*, R477*, R443*.
Identifiers: ClinVar variation 2874786 (VCV002874786.3), dbSNP rs2515610149, ClinGen allele CA408586070.